The following is an entry in ClinVar:

ClinVar aggregate classification (germline): Benign/Likely benign. Review status: criteria provided, multiple submitters, no conflicts (2 of 4 stars). 3 submissions from 3 submitters: Benign (1); Likely benign (2). Last evaluated 2025-01-14.

Conditions:
Hereditary cancer-predisposing syndrome. Also called: Hereditary Cancer Syndrome; Neoplastic Syndromes, Hereditary; Tumor predisposition; Hereditary neoplastic syndrome. Identifiers: Orphanet 140162, MedGen C0027672, MeSH D009386, MONDO:0015356.
Familial cancer of breast. Also called: hereditary breast carcinoma; BREAST CANCER, FAMILIAL; Hereditary breast cancer. Identifiers: Orphanet 227535, MedGen C0346153, MONDO:0016419, OMIM 114480. Disease mechanism: loss of function.

Submissions (3):

Myriad Genetics, Inc.
Classification: Benign for Familial cancer of breast. Last evaluated: 2025-01-14. Review status: criteria provided, single submitter. Criteria: Myriad Autosomal Dominant, Autosomal Recessive and X-Linked Classification Criteria (2023). Collection method: clinical testing. Allele origin: unknown.
Comment: This variant is considered benign. This variant is a silent/synonymous amino acid change and it is not expected to impact splicing.

Labcorp Genetics (formerly Invitae), Labcorp
Classification: Likely benign for Familial cancer of breast. Last evaluated: 2024-10-03. Review status: criteria provided, single submitter. Criteria: Invitae Variant Classification Sherloc (09022015). Collection method: clinical testing. Allele origin: germline.

Ambry Genetics
Classification: Likely benign for Hereditary cancer-predisposing syndrome. Last evaluated: 2023-06-02. Review status: criteria provided, single submitter. Criteria: Ambry Variant Classification Scheme 2023. Collection method: clinical testing. Allele origin: germline.

NM_024675.4(PALB2):c.1803G>A (p.Lys601=)

Gene: PALB2 (partner and localizer of BRCA2; minus strand). Cytogenetic location: 16p12.2.
Variant type: single nucleotide variant.
Coding change: c.1803G>A on transcript NM_024675.4 (MANE Select); coding-DNA position 1803, G replaced by A.
Protein change: p.Lys601=; no amino-acid change (lysine 601 retained).
Molecular consequence: synonymous variant.
Genome position (GRCh38, 1-based): chr16:23,630,351, C>T on the plus strand (G>A on the coding strand, the complement: PALB2 is on the minus strand). VCF-style: chr16-23630351-C-T. GRCh37 (hg19) VCF-style: chr16-23641672-C-T.
Other names: c.1803G>A (NM_024675.3).
Identifiers: ClinVar variation 1083614 (VCV001083614.12), dbSNP rs1555460643, ClinGen allele CA494461369.